The following is an entry in ClinVar:

ClinVar aggregate classification (germline): Uncertain significance (1 of 4 stars; one submission).

Submission:

Labcorp Genetics (formerly Invitae), Labcorp
Classification: Uncertain significance. Last evaluated: 2022-10-07. Review status: criteria provided, single submitter. Criteria: Invitae Variant Classification Sherloc (09022015). Collection method: clinical testing. Allele origin: germline.
Comment: In summary, the available evidence is currently insufficient to determine the role of this variant in disease. Therefore, it has been classified as a Variant of Uncertain Significance. Algorithms developed to predict the effect of missense changes on protein structure and function output the following: SIFT: "Not Available"; PolyPhen-2: "Not Available"; Align-GVGD: "Not Available". The valine amino acid residue is found in multiple mammalian species, which suggests that this missense change does not adversely affect protein function. This variant has not been reported in the literature in individuals affected with ALPL-related conditions. This variant is not present in population databases (gnomAD no frequency). This sequence change replaces alanine, which is neutral and non-polar, with valine, which is neutral and non-polar, at codon 516 of the ALPL protein (p.Ala516Val).

NM_000478.6(ALPL):c.1547C>T (p.Ala516Val)

Gene: ALPL (alkaline phosphatase, biomineralization associated; plus strand). Cytogenetic location: 1p36.12.
Variant type: single nucleotide variant.
Coding change: c.1547C>T on transcript NM_000478.6 (MANE Select); coding-DNA position 1547, C replaced by T.
Protein change: p.Ala516Val; replaces alanine 516 with valine.
Molecular consequence: missense variant.
Genome position (GRCh38, 1-based): chr1:21,577,620, C>T. VCF-style: chr1-21577620-C-T. GRCh37 (hg19) VCF-style: chr1-21904113-C-T.
Other names: c.1382C>T, p.Ala461Val (NM_001127501.4); c.1316C>T, p.Ala439Val (NM_001177520.3); c.1547C>T, p.Ala516Val (NM_001369803.2, NM_001369804.2, NM_001369805.2); short protein forms A439V, A461V, A516V.
Identifiers: ClinVar variation 2189648 (VCV002189648.2), dbSNP rs2545352155, ClinGen allele CA338882630.